The following is an entry in ClinVar:

ClinVar aggregate classification (germline): Benign/Likely benign. Review status: criteria provided, multiple submitters, no conflicts (2 of 4 stars). 2 submissions from 2 submitters: Benign (1); Likely benign (1). Last evaluated 2024-03-18.

Conditions:
Familial adenomatous polyposis 1 (FAP1). Also called: FAMILIAL ADENOMATOUS POLYPOSIS 1, ATTENUATED; POLYPOSIS, ADENOMATOUS INTESTINAL. Identifiers: MedGen C2713442, MONDO:0021056, OMIM 175100. Disease mechanism: loss of function.
Hereditary cancer-predisposing syndrome. Also called: Hereditary neoplastic syndrome; Tumor predisposition; Hereditary Cancer Syndrome; Neoplastic Syndromes, Hereditary. Identifiers: Orphanet 140162, MedGen C0027672, MeSH D009386, MONDO:0015356.

Submissions (2):

Myriad Genetics, Inc.
Classification: Benign for Familial adenomatous polyposis 1. Last evaluated: 2024-03-18. Review status: criteria provided, single submitter. Criteria: Myriad Autosomal Dominant, Autosomal Recessive and X-Linked Classification Criteria (2023). Collection method: clinical testing. Allele origin: unknown.
Comment: This variant is considered benign. This variant is a silent/synonymous amino acid change and it is not expected to impact splicing.

Ambry Genetics
Classification: Likely benign for Hereditary cancer-predisposing syndrome. Last evaluated: 2023-06-17. Review status: criteria provided, single submitter. Criteria: Ambry Variant Classification Scheme 2023. Collection method: clinical testing. Allele origin: germline.

NM_000038.6(APC):c.3459T>C (p.His1153=)

Gene: APC (APC regulator of Wnt signaling pathway; plus strand). Cytogenetic location: 5q22.2.
Variant type: single nucleotide variant.
Coding change: c.3459T>C on transcript NM_000038.6 (MANE Select); coding-DNA position 3459, T replaced by C.
Protein change: p.His1153=; no amino-acid change (histidine 1153 retained).
Molecular consequence: synonymous variant. On other transcripts: non-coding transcript variant (2).
Genome position (GRCh38, 1-based): chr5:112,839,053, T>C. VCF-style: chr5-112839053-T-C. GRCh37 (hg19) VCF-style: chr5-112174750-T-C.
Other names: c.3459T>C, p.His1153= (NM_001127510.3, NM_001354895.2, NM_001407450.1); c.3405T>C, p.His1135= (NM_001127511.3); c.3513T>C, p.His1171= (NM_001354896.2, NM_001407447.1, NM_001407448.1 and 1 more transcripts); c.3489T>C, p.His1163= (NM_001354897.2); c.3384T>C, p.His1128= (NM_001354898.2); c.3375T>C, p.His1125= (NM_001354899.2); c.3336T>C, p.His1112= (NM_001354900.2); c.3282T>C, p.His1094= (NM_001354901.2, NM_001407453.1); and 11 more.
Identifiers: ClinVar variation 2586971 (VCV002586971.2), dbSNP rs2533499798, ClinGen allele CA445963935.